The following is an entry in ClinVar:

ClinVar aggregate classification (germline): Uncertain significance (1 of 4 stars; one submission).

Allele frequency attached by ClinVar (database versions not stated): ExAC 0.00001.
gnomAD v4.1: 2 of 1,613,968 alleles (0.00012%); highest among the groups gnomAD compares: Admixed American, 0.0017%; no homozygotes.

Submission:

GeneDx
Classification: Uncertain significance. Last evaluated: 2022-07-11. Review status: criteria provided, single submitter. Criteria: GeneDx Variant Classification Process June 2021. Collection method: clinical testing. Allele origin: germline. Affected: yes.
Comment: Not observed at significant frequency in large population cohorts (gnomAD); In silico analysis supports that this missense variant does not alter protein structure/function; Has not been previously published as pathogenic or benign to our knowledge; Not located in the triple helical region, where the majority of pathogenic missense variants occur (Symoens et al., 2012; HGMD)

NM_000093.5(COL5A1):c.523A>C (p.Lys175Gln)

Gene: COL5A1 (collagen type V alpha 1 chain; plus strand). Cytogenetic location: 9q34.3.
Variant type: single nucleotide variant.
Coding change: c.523A>C on transcript NM_000093.5 (MANE Select); coding-DNA position 523, A replaced by C.
Protein change: p.Lys175Gln; replaces lysine 175 with glutamine.
Molecular consequence: missense variant.
Genome position (GRCh38, 1-based): chr9:134,701,202, A>C. VCF-style: chr9-134701202-A-C. GRCh37 (hg19) VCF-style: chr9-137593048-A-C.
Other names: c.523A>C, p.Lys175Gln (NM_001278074.1); short protein forms K175Q.
Identifiers: ClinVar variation 1878920 (VCV001878920.1), dbSNP rs781080614, ClinGen allele CA5318341.